The following is an entry in ClinVar:

ClinVar aggregate classification (germline): Likely benign. Review status: reviewed by expert panel (3 of 4 stars). 3 submissions from 3 submitters: Likely benign (1). 2 of the submissions do not count toward it. Last evaluated 2017-06-29.

Conditions:
Hereditary cancer-predisposing syndrome. Also called: Tumor predisposition; Hereditary Cancer Syndrome; Hereditary neoplastic syndrome; Neoplastic Syndromes, Hereditary. Identifiers: Orphanet 140162, MedGen C0027672, MeSH D009386, MONDO:0015356.
Hereditary breast ovarian cancer syndrome. Also called: Breast and ovarian cancer; Hereditary breast and ovarian cancer syndrome; Hereditary breast and ovarian cancer; BRCA1- and BRCA2-Associated Hereditary Breast and Ovarian Cancer; Hereditary breast and ovarian cancer syndrome (HBOC); Hereditary breast and/or ovarian cancer syndrome. Identifiers: Orphanet 145, MedGen C0677776, MeSH D061325, MONDO:0003582. Disease mechanism: loss of function.
Breast-ovarian cancer, familial, susceptibility to, 2 (BROVCA2). Also called: BRCA2 Hereditary Breast and Ovarian Cancer. Identifiers: Orphanet 145, MedGen C2675520, MONDO:0012933, OMIM 612555. Disease mechanism: loss of function.

Allele frequency attached by ClinVar (database versions not stated): gnomAD exomes below 0.00001; ExAC 0.00001.

Submissions (3):

Evidence-based Network for the Interpretation of Germline Mutant Alleles (ENIGMA)
Classification: Likely benign for Breast-ovarian cancer, familial, susceptibility to, 2. Last evaluated: 2017-06-29. Review status: reviewed by expert panel. Criteria: ENIGMA BRCA1/2 Classification Criteria (2017-06-29). Collection method: curation. Allele origin: germline.
Comment: Synonymous substitution variant, with low bioinformatic likelihood to result in a splicing aberration (Splicing prior probability 0.02).

Labcorp Genetics (formerly Invitae), Labcorp
Classification: Likely benign for Hereditary breast ovarian cancer syndrome. Last evaluated: 2025-11-19. Review status: criteria provided, single submitter. Criteria: Invitae Variant Classification Sherloc (09022015). Collection method: clinical testing. Allele origin: germline. Not counted in ClinVar's aggregate classification.

Ambry Genetics
Classification: Likely benign for Hereditary cancer-predisposing syndrome. Last evaluated: 2015-09-21. Review status: criteria provided, single submitter. Criteria: Ambry Variant Classification Scheme 2023. Collection method: clinical testing. Allele origin: germline. Not counted in ClinVar's aggregate classification.

NM_000059.4(BRCA2):c.1293A>G (p.Thr431=)

Gene: BRCA2 (BRCA2 DNA repair associated; plus strand). Cytogenetic location: 13q13.1.
Variant type: single nucleotide variant.
Coding change: c.1293A>G on transcript NM_000059.4 (MANE Select); coding-DNA position 1293, A replaced by G.
Protein change: p.Thr431=; no amino-acid change (threonine 431 retained).
Molecular consequence: synonymous variant.
Genome position (GRCh38, 1-based): chr13:32,332,771, A>G. VCF-style: chr13-32332771-A-G. GRCh37 (hg19) VCF-style: chr13-32906908-A-G.
Identifiers: ClinVar variation 184288 (VCV000184288.8), dbSNP rs771350560, ClinGen allele CA011473.